The following is an entry in ClinVar:

NM_001197104.2(KMT2A):c.7124del (p.His2374_Leu2375insTer)

Gene: KMT2A (lysine methyltransferase 2A; plus strand). Cytogenetic location: 11q23.3.
Variant type: Deletion.
Coding change: c.7124del on transcript NM_001197104.2 (MANE Select); coding-DNA position 7124, one base deleted (T; older notation c.7124delT).
Protein change: p.His2374_Leu2375insTer.
Molecular consequence: nonsense.
Genome position (GRCh38, 1-based): chr11:118,503,016, T deleted; the last of 3 consecutive T bases (chr11:118,503,014-118,503,016); deleting any one gives the same sequence. VCF-style (leftmost placement, unchanged base first): chr11-118503013-AT-A. GRCh37 (hg19) VCF-style: chr11-118373728-AT-A.
Other names: c.7115del, p.His2371_Leu2372insTer (NM_005933.4).
Identifiers: ClinVar variation 817564 (VCV000817564.1), dbSNP rs1591281317, ClinGen allele CA915947781.

ClinVar aggregate classification (germline): Pathogenic (1 of 4 stars; one submission).

Submission:

GeneDx
Classification: Pathogenic. Last evaluated: 2018-07-16. Review status: criteria provided, single submitter. Criteria: GeneDx Variant Classification (06012015). Collection method: clinical testing. Allele origin: germline. Affected: yes.
Comment: The c.7124delT variant in the KMT2A gene has not been reported previously as a pathogenic variant nor as a benign variant, to our knowledge. The c.7124delT variant causes a frameshift starting with codon Leucine 2375 and changes this amino acid to a premature Stop codon at position, denoted p.Leu2375Ter. This variant is predicted to cause loss of normal protein function either through protein truncation or nonsense-mediated mRNA decay. The c.7124delT variant is not observed in large population cohorts (Lek et al., 2016).